The following is an entry in ClinVar:

NM_001042681.2(RERE):c.1384A>C (p.Ile462Leu)

Gene: RERE (arginine-glutamic acid dipeptide repeats; minus strand). Cytogenetic location: 1p36.23.
Variant type: single nucleotide variant.
Coding change: c.1384A>C on transcript NM_001042681.2 (MANE Select); coding-DNA position 1384, A replaced by C.
Protein change: p.Ile462Leu; replaces isoleucine 462 with leucine.
Molecular consequence: missense variant. On other transcripts: 5 prime UTR variant (1).
Genome position (GRCh38, 1-based): chr1:8,365,875, T>G on the plus strand (A>C on the coding strand, the complement: RERE is on the minus strand). VCF-style: chr1-8365875-T-G. GRCh37 (hg19) VCF-style: chr1-8425935-T-G.
Other names: c.-279A>C (NM_001042682.2); c.1384A>C, p.Ile462Leu (NM_012102.4); c.1384A>C (NM_012102.3); short protein forms I462L.
Identifiers: ClinVar variation 1947814 (VCV001947814.6), dbSNP rs1641786870, ClinGen allele CA338174908.
Genomic context (GRCh38, chr1:8,365,875, plus strand): 5'-ATTCACTGGACGGGGGTCTGGAGGGTGTGTTGACGGGTGTGGACGCGGTGCGAGTCTTAA[T>G]CCTCCTGAACACGGCCTGCCTGCGGTGCCTACGATGGGCTCGGGAGCTGGCTGCTTCGGG-3'
Protein context (NP_001036146.1, residues 452-472): RHRRQAVFRR[Ile462Leu]KTRTASTPVN

ClinVar aggregate classification (germline): Uncertain significance. Review status: criteria provided, multiple submitters, no conflicts (2 of 4 stars). 2 submissions from 2 submitters: Uncertain significance (2). Last evaluated 2025-07-08.

Conditions:
Inborn genetic diseases. Identifiers: MedGen C0950123, MeSH D030342.

Submissions (2):

Ambry Genetics
Classification: Uncertain significance for Inborn genetic diseases. Last evaluated: 2025-07-08. Review status: criteria provided, single submitter. Criteria: Ambry Variant Classification Scheme 2023. Collection method: clinical testing. Allele origin: germline.

Labcorp Genetics (formerly Invitae), Labcorp
Classification: Uncertain significance. Last evaluated: 2022-09-06. Review status: criteria provided, single submitter. Criteria: Invitae Variant Classification Sherloc (09022015). Collection method: clinical testing. Allele origin: germline.
Comment: This sequence change replaces isoleucine, which is neutral and non-polar, with leucine, which is neutral and non-polar, at codon 462 of the RERE protein (p.Ile462Leu). Advanced modeling of protein sequence and biophysical properties (such as structural, functional, and spatial information, amino acid conservation, physicochemical variation, residue mobility, and thermodynamic stability) performed at Invitae indicates that this missense variant is not expected to disrupt RERE protein function. This variant has not been reported in the literature in individuals affected with RERE-related conditions. This variant is not present in population databases (gnomAD no frequency). In summary, the available evidence is currently insufficient to determine the role of this variant in disease. Therefore, it has been classified as a Variant of Uncertain Significance.